The following is an entry in ClinVar:

ClinVar aggregate classification (germline): Uncertain significance (1 of 4 stars; one submission).

Conditions:
Ataxia-telangiectasia syndrome (AT). Also called: Cerebello-oculocutaneous telangiectasia; Immunodeficiency with ataxia telangiectasia; Ataxia-telangiectasia; AT, COMPLEMENTATION GROUP C; Ataxia telangiectasia (A-T); LOUIS-BAR SYNDROME. Identifiers: Orphanet 100, MedGen C0004135, MONDO:0008840, OMIM 208900.

Submission:

Labcorp Genetics (formerly Invitae), Labcorp
Classification: Uncertain significance for Ataxia-telangiectasia syndrome. Last evaluated: 2021-11-05. Review status: criteria provided, single submitter. Criteria: Invitae Variant Classification Sherloc (09022015). Collection method: clinical testing. Allele origin: germline.
Comment: In summary, the available evidence is currently insufficient to determine the role of this variant in disease. Therefore, it has been classified as a Variant of Uncertain Significance. Experimental studies and prediction algorithms are not available or were not evaluated, and the functional significance of this variant is currently unknown. This sequence change is a complex rearrangement involving exons 35-46 of the ATM gene. Although the exact nature of the event is unknown, it likely involves a partial duplication and/or inversion of these exons. This variant has not been reported in the literature in individuals affected with ATM-related conditions.

NC_000011.9:g.(?_108170929)_(108196046_?)del

Gene: ATM (ATM serine/threonine kinase; plus strand). Cytogenetic location: 11q22.3.
Variant type: Deletion.
Identifiers: ClinVar variation 2422229 (VCV002422229.4).